The following is an entry in ClinVar:

NM_001035.3(RYR2):c.4052A>G (p.His1351Arg)

Genes: RYR2 (ryanodine receptor 2; plus strand), LOC126806067 (BRD4-independent group 4 enhancer GRCh37_chr1:237753258-237754457; plus strand). Cytogenetic location: 1q43.
Variant type: single nucleotide variant.
Coding change: c.4052A>G on transcript NM_001035.3 (MANE Select); coding-DNA position 4052, A replaced by G.
Protein change: p.His1351Arg; replaces histidine 1351 with arginine.
Molecular consequence: missense variant.
Genome position (GRCh38, 1-based): chr1:237,590,884, A>G. VCF-style: chr1-237590884-A-G. GRCh37 (hg19) VCF-style: chr1-237754184-A-G.
Other names: short protein forms H1351R.
Identifiers: ClinVar variation 2230754 (VCV002230754.2), dbSNP rs2546616242, ClinGen allele CA072484.

ClinVar aggregate classification (germline): Uncertain significance (1 of 4 stars; one submission).

Conditions:
Cardiovascular phenotype. Identifiers: MedGen CN230736.

Allele frequency attached by ClinVar (database versions not stated): gnomAD exomes below 0.00001.
gnomAD v4.1: 2 of 1,613,898 alleles (0.00012%); highest among the groups gnomAD compares: East Asian, 0.0022%; no homozygotes.

Submission:

Ambry Genetics
Classification: Uncertain significance for Cardiovascular phenotype. Last evaluated: 2021-06-02. Review status: criteria provided, single submitter. Criteria: Ambry Variant Classification Scheme 2023. Collection method: clinical testing. Allele origin: germline.
Comment: The c.4052A>G (p.H1351R) alteration is located in exon 31 (coding exon 31) of the RYR2 gene. This alteration results from a A to G substitution at nucleotide position 4052, causing the histidine (H) at amino acid position 1351 to be replaced by an arginine (R). The in silico prediction for the p.H1351R alteration is inconclusive. Based on insufficient or conflicting evidence, the clinical significance of this alteration remains unclear.